The following is an entry in ClinVar:

ClinVar aggregate classification (germline): Uncertain significance. Review status: criteria provided, multiple submitters, no conflicts (2 of 4 stars). 3 submissions from 3 submitters: Uncertain significance (3). Last evaluated 2022-07-05.

Conditions:
Charcot-Marie-Tooth disease. Also called: Charcot-Marie-Tooth Neuropathy; Charcot-Marie-Tooth Hereditary Neuropathy. Identifiers: Orphanet 166, MedGen C0007959, MONDO:0015626.
Inborn genetic diseases. Identifiers: MedGen C0950123, MeSH D030342.
Charcot-Marie-Tooth disease type 4. Also called: Charcot-Marie-Tooth, Type 4; Charcot-Marie-Tooth disease, type IV. Identifiers: Orphanet 64749, MedGen C4082197, MONDO:0018995.

Allele frequency attached by ClinVar (database versions not stated): TOPMed below 0.00001; gnomAD exomes 0.00001.
gnomAD v4.1: 15 of 1,613,686 alleles (0.00093%); highest among the groups gnomAD compares: Non-Finnish European, 0.0013%; no homozygotes.

Submissions (3):

Labcorp Genetics (formerly Invitae), Labcorp
Classification: Uncertain significance for Charcot-Marie-Tooth disease type 4. Last evaluated: 2022-07-05. Review status: criteria provided, single submitter. Criteria: Invitae Variant Classification Sherloc (09022015). Collection method: clinical testing. Allele origin: germline.
Comment: In summary, the available evidence is currently insufficient to determine the role of this variant in disease. Therefore, it has been classified as a Variant of Uncertain Significance. Algorithms developed to predict the effect of missense changes on protein structure and function are either unavailable or do not agree on the potential impact of this missense change (SIFT: "Tolerated"; PolyPhen-2: "Possibly Damaging"; Align-GVGD: "Class C15"). ClinVar contains an entry for this variant (Variation ID: 663893). This missense change has been observed in individual(s) with clinical features of Charcot-Marie-Tooth disease (PMID: 32376792). This variant is not present in population databases (gnomAD no frequency). This sequence change replaces serine, which is neutral and polar, with leucine, which is neutral and non-polar, at codon 1004 of the PRX protein (p.Ser1004Leu).

Ambry Genetics
Classification: Uncertain significance for Inborn genetic diseases. Last evaluated: 2019-10-28. Review status: criteria provided, single submitter. Criteria: Ambry Variant Classification Scheme 2023. Collection method: clinical testing. Allele origin: germline.
Comment: The p.S1004L variant (also known as c.3011C>T), located in coding exon 4 of the PRX gene, results from a C to T substitution at nucleotide position 3011. The serine at codon 1004 is replaced by leucine, an amino acid with dissimilar properties. This amino acid position is poorly conserved in available vertebrate species. In addition, this alteration is predicted to be tolerated by in silico analysis. Since supporting evidence is limited at this time, the clinical significance of this alteration remains unclear.

Molecular Genetics Laboratory, London Health Sciences Centre
Classification: Uncertain significance for Charcot-Marie-Tooth disease. Review status: criteria provided, single submitter. Criteria: ACMG Guidelines, 2015. Collection method: clinical testing. Allele origin: germline. Affected: yes.

Literature cited by the submitters: PubMed 32376792 (cited by Labcorp Genetics (formerly Invitae), Labcorp).

NM_181882.3(PRX):c.3011C>T (p.Ser1004Leu)

Gene: PRX (periaxin; minus strand). Cytogenetic location: 19q13.2.
Variant type: single nucleotide variant.
Coding change: c.3011C>T on transcript NM_181882.3 (MANE Select); coding-DNA position 3011, C replaced by T.
Protein change: p.Ser1004Leu; replaces serine 1004 with leucine.
Molecular consequence: missense variant. On other transcripts: 3 prime UTR variant (1).
Genome position (GRCh38, 1-based): chr19:40,395,341, G>A on the plus strand (C>T on the coding strand, the complement: PRX is on the minus strand). VCF-style: chr19-40395341-G-A. GRCh37 (hg19) VCF-style: chr19-40901248-G-A.
Other names: c.*3216C>T (NM_020956.2); short protein forms S1004L.
Identifiers: ClinVar variation 663893 (VCV000663893.11), dbSNP rs996865233, ClinGen allele CA308417524.